The following is an entry in ClinVar:

NM_000440.3(PDE6A):c.499G>A (p.Asp167Asn)

Gene: PDE6A (phosphodiesterase 6A; minus strand). Cytogenetic location: 5q32.
Variant type: single nucleotide variant.
Coding change: c.499G>A on transcript NM_000440.3 (MANE Select); coding-DNA position 499, G replaced by A.
Protein change: p.Asp167Asn; replaces aspartic acid 167 with asparagine.
Molecular consequence: missense variant.
Genome position (GRCh38, 1-based): chr5:149,934,694, C>T on the plus strand (G>A on the coding strand, the complement: PDE6A is on the minus strand). VCF-style: chr5-149934694-C-T. GRCh37 (hg19) VCF-style: chr5-149314257-C-T.
Other names: short protein forms D167N.
Identifiers: ClinVar variation 963196 (VCV000963196.11), dbSNP rs547693426, ClinGen allele CA3505028.
Genomic context (GRCh38, chr5:149,934,694, plus strand): 5'-CCTTCCCATTCATTATGGGGGAAGCCAAGATGTTCTTGGTCTTGTACTCTGTGAGGATGT[C>T]CACAAAGTCACAGAAATGCTCATCCTAAAGGAAGGCAGAGATAAGCACGGACAGGCAAAT-3'
Protein context (NP_000431.2, residues 157-177): EEDEHFCDFV[Asp167Asn]ILTEYKTKNI

ClinVar aggregate classification (germline): Uncertain significance. Review status: criteria provided, multiple submitters, no conflicts (2 of 4 stars). 2 submissions from 2 submitters: Uncertain significance (2). Last evaluated 2024-08-19.

Allele frequency attached by ClinVar (database versions not stated): gnomAD below 0.00001 and 0.00001; gnomAD exomes 0.00004 and 0.00009; ExAC 0.00007; 1000 Genomes Project 0.00040; 1000 Genomes Project 30x 0.00031.
gnomAD v4.1: 63 of 1,613,936 alleles (0.0039%); highest among the groups gnomAD compares: South Asian, 0.059%; no homozygotes.

Submissions (2):

Blueprint Genetics
Classification: Uncertain significance. Last evaluated: 2024-08-19. Review status: criteria provided, single submitter. Criteria: ACMG Guidelines, 2015. Collection method: clinical testing. Allele origin: germline.

Labcorp Genetics (formerly Invitae), Labcorp
Classification: Uncertain significance. Last evaluated: 2024-01-23. Review status: criteria provided, single submitter. Criteria: Invitae Variant Classification Sherloc (09022015). Collection method: clinical testing. Allele origin: germline.
Comment: This sequence change replaces aspartic acid, which is acidic and polar, with asparagine, which is neutral and polar, at codon 167 of the PDE6A protein (p.Asp167Asn). This variant is present in population databases (rs547693426, gnomAD 0.06%). This variant has not been reported in the literature in individuals affected with PDE6A-related conditions. ClinVar contains an entry for this variant (Variation ID: 963196). Advanced modeling of protein sequence and biophysical properties (such as structural, functional, and spatial information, amino acid conservation, physicochemical variation, residue mobility, and thermodynamic stability) performed at Invitae indicates that this missense variant is expected to disrupt PDE6A protein function with a positive predictive value of 80%. In summary, the available evidence is currently insufficient to determine the role of this variant in disease. Therefore, it has been classified as a Variant of Uncertain Significance.